The following is an entry in ClinVar:

NM_000245.4(MET):c.1244A>C (p.Glu415Ala)

Gene: MET (MET proto-oncogene, receptor tyrosine kinase; plus strand). Cytogenetic location: 7q31.2.
Variant type: single nucleotide variant.
Coding change: c.1244A>C on transcript NM_000245.4 (MANE Select); coding-DNA position 1244, A replaced by C.
Protein change: p.Glu415Ala; replaces glutamic acid 415 with alanine.
Molecular consequence: missense variant. On other transcripts: 5 prime UTR variant (1).
Genome position (GRCh38, 1-based): chr7:116,731,711, A>C. VCF-style: chr7-116731711-A-C. GRCh37 (hg19) VCF-style: chr7-116371765-A-C.
Other names: c.1244A>C, p.Glu415Ala (NM_001324401.3, NM_001127500.3); c.-47A>C (NM_001324402.2); short protein forms E415A.
Identifiers: ClinVar variation 3872350 (VCV003872350.1).
Genomic context (GRCh38, chr7:116,731,711, plus strand): 5'-ACCATATTTTATTCCAGACACTTCTGAGAAATTCATCAGGCTGTGAAGCGCGCCGTGATG[A>C]ATATCGAACAGAGTTTACCACAGCTTTGCAGCGCGTTGACTTATTCATGGGTCAATTCAG-3'
Protein context (NP_000236.2, residues 405-425): NSSGCEARRD[Glu415Ala]YRTEFTTALQ

ClinVar aggregate classification (germline): Uncertain significance (1 of 4 stars; one submission).

Conditions:
Hereditary cancer-predisposing syndrome. Also called: Tumor predisposition; Neoplastic Syndromes, Hereditary; Hereditary Cancer Syndrome; Hereditary neoplastic syndrome. Identifiers: Orphanet 140162, MedGen C0027672, MeSH D009386, MONDO:0015356.

Submission:

Ambry Genetics
Classification: Uncertain significance for Hereditary cancer-predisposing syndrome. Last evaluated: 2024-12-17. Review status: criteria provided, single submitter. Criteria: Ambry Variant Classification Scheme 2023. Collection method: clinical testing. Allele origin: germline.
Comment: The p.E415A variant (also known as c.1244A>C), located in coding exon 2 of the MET gene, results from an A to C substitution at nucleotide position 1244. The glutamic acid at codon 415 is replaced by alanine, an amino acid with dissimilar properties. This amino acid position is conserved. In addition, the in silico prediction for this alteration is inconclusive. Based on the available evidence, the clinical significance of this variant remains unclear.